The following is an entry in ClinVar:

ClinVar aggregate classification (germline): Uncertain significance. Review status: criteria provided, multiple submitters, no conflicts (2 of 4 stars). 3 submissions from 3 submitters: Uncertain significance (3). Last evaluated 2025-05-05.

Conditions:
Familial melanoma. Also called: Hereditary melanoma; Hereditary cutaneous melanoma. Identifiers: Orphanet 618, MedGen C1512419, MONDO:0018961.
Melanoma, cutaneous malignant, susceptibility to, 3. Also called: Cutaneous malignant melanoma 3. Identifiers: Orphanet 618, MedGen C1836892, MONDO:0012183, OMIM 609048.
Hereditary cancer-predisposing syndrome. Also called: Neoplastic Syndromes, Hereditary; Hereditary Cancer Syndrome; Hereditary neoplastic syndrome; Tumor predisposition. Identifiers: Orphanet 140162, MedGen C0027672, MeSH D009386, MONDO:0015356.

Allele frequency attached by ClinVar (database versions not stated): gnomAD exomes 0.00001.
gnomAD v4.1: 5 of 1,614,178 alleles (0.00031%); highest among the groups gnomAD compares: Non-Finnish European, 0.00042%; no homozygotes.

Submissions (3):

Labcorp Genetics (formerly Invitae), Labcorp
Classification: Uncertain significance for Familial melanoma. Last evaluated: 2025-05-05. Review status: criteria provided, single submitter. Criteria: Invitae Variant Classification Sherloc (09022015). Collection method: clinical testing. Allele origin: germline.
Comment: This sequence change replaces tyrosine, which is neutral and polar, with histidine, which is basic and polar, at codon 17 of the CDK4 protein (p.Tyr17His). This variant is not present in population databases (gnomAD no frequency). This variant has not been reported in the literature in individuals affected with CDK4-related conditions. ClinVar contains an entry for this variant (Variation ID: 463468). Invitae Evidence Modeling of protein sequence and biophysical properties (such as structural, functional, and spatial information, amino acid conservation, physicochemical variation, residue mobility, and thermodynamic stability) indicates that this missense variant is expected to disrupt CDK4 protein function with a positive predictive value of 95%. In summary, the available evidence is currently insufficient to determine the role of this variant in disease. Therefore, it has been classified as a Variant of Uncertain Significance.

Ambry Genetics
Classification: Uncertain significance for Hereditary cancer-predisposing syndrome. Last evaluated: 2024-01-17. Review status: criteria provided, single submitter. Criteria: Ambry Variant Classification Scheme 2023. Collection method: clinical testing. Allele origin: germline.
Comment: The p.Y17H variant (also known as c.49T>C), located in coding exon 1 of the CDK4 gene, results from a T to C substitution at nucleotide position 49. The tyrosine at codon 17 is replaced by histidine, an amino acid with similar properties. This amino acid position is highly conserved in available vertebrate species. In addition, this alteration is predicted to be deleterious by in silico analysis. Since supporting evidence is limited at this time, the clinical significance of this alteration remains unclear.

St. Jude Molecular Pathology, St. Jude Children's Research Hospital
Classification: Uncertain significance for Melanoma, cutaneous malignant, susceptibility to, 3. Last evaluated: 2023-02-22. Review status: criteria provided, single submitter. Criteria: St. Jude Assertion Criteria 2020. Collection method: clinical testing. Allele origin: germline.
Comment: The CDK4 c.49T>C (p.Tyr17His) missense change is absent in gnomAD v2.1.1. The in silico tool REVEL is inconclusive about a pathogenic or benign effect of this variant on protein function, and to our knowledge functional studies have not been performed. To our knowledge, this variant has not been reported in individuals with familial melanoma. In summary, the evidence currently available is insufficient to determine the clinical significance of this variant. It has therefore been classified as of uncertain significance.

NM_000075.4(CDK4):c.49T>C (p.Tyr17His)

Gene: CDK4 (cyclin dependent kinase 4; minus strand). Cytogenetic location: 12q14.1.
Variant type: single nucleotide variant.
Coding change: c.49T>C on transcript NM_000075.4 (MANE Select); coding-DNA position 49, T replaced by C.
Protein change: p.Tyr17His; replaces tyrosine 17 with histidine.
Molecular consequence: missense variant.
Genome position (GRCh38, 1-based): chr12:57,751,669, A>G on the plus strand (T>C on the coding strand, the complement: CDK4 is on the minus strand). VCF-style: chr12-57751669-A-G. GRCh37 (hg19) VCF-style: chr12-58145452-A-G.
Other names: short protein forms Y17H.
Identifiers: ClinVar variation 463468 (VCV000463468.12), dbSNP rs1555201383, ClinGen allele CA385549110.